The following is an entry in ClinVar:

NM_015375.3(DSTYK):c.1090C>G (p.Leu364Val)

Gene: DSTYK (dual serine/threonine and tyrosine protein kinase; minus strand). Cytogenetic location: 1q32.1.
Variant type: single nucleotide variant.
Coding change: c.1090C>G on transcript NM_015375.3 (MANE Select); coding-DNA position 1090, C replaced by G.
Protein change: p.Leu364Val; replaces leucine 364 with valine.
Molecular consequence: missense variant.
Genome position (GRCh38, 1-based): chr1:205,169,397, G>C on the plus strand (C>G on the coding strand, the complement: DSTYK is on the minus strand). VCF-style: chr1-205169397-G-C. GRCh37 (hg19) VCF-style: chr1-205138525-G-C.
Other names: c.1090C>G (NM_015375.2); c.1090C>G, p.Leu364Val (NM_199462.3); short protein forms L364V.
Identifiers: ClinVar variation 2084204 (VCV002084204.5), dbSNP rs374059613, ClinGen allele CA1352913.
Genomic context (GRCh38, chr1:205,169,397, plus strand): 5'-GGTCCCGCTGCATGTCAAATGCCTGGTTAATAAAGATGTCAAGGCAGTGGCAGTGCACCA[G>C]GTTCAGGGCCTTGGCTGCATCCACCAGGCGAGTCTGTAACACCTGGTGAGAAAATGTGCT-3'
Protein context (NP_056190.1, residues 354-374): RLVDAAKALN[Leu364Val]VHCHCLDIFI

ClinVar aggregate classification (germline): Uncertain significance. Review status: criteria provided, multiple submitters, no conflicts (2 of 4 stars). 2 submissions from 2 submitters: Uncertain significance (2). Last evaluated 2025-06-12.

Allele frequency attached by ClinVar (database versions not stated): gnomAD exomes 0.00001; ExAC 0.00003; gnomAD 0.00016; TOPMed 0.00019; ESP Exome Variant Server 0.00023; 1000 Genomes Project 30x 0.00031; 1000 Genomes Project 0.00040.
gnomAD v4.1: 38 of 1,614,184 alleles (0.0024%); highest among the groups gnomAD compares: African/African-American, 0.051%; no homozygotes.

Submissions (2):

Labcorp Genetics (formerly Invitae), Labcorp
Classification: Uncertain significance. Last evaluated: 2025-06-12. Review status: criteria provided, single submitter. Criteria: Invitae Variant Classification Sherloc (09022015). Collection method: clinical testing. Allele origin: germline.
Comment: This sequence change replaces leucine, which is neutral and non-polar, with valine, which is neutral and non-polar, at codon 364 of the DSTYK protein (p.Leu364Val). This variant is present in population databases (rs374059613, gnomAD 0.05%). This variant has not been reported in the literature in individuals affected with DSTYK-related conditions. ClinVar contains an entry for this variant (Variation ID: 2084204). An algorithm developed to predict the effect of missense changes on protein structure and function outputs the following: PolyPhen-2: "Benign". The valine amino acid residue is found in multiple mammalian species, which suggests that this missense change does not adversely affect protein function. In summary, the available evidence is currently insufficient to determine the role of this variant in disease. Therefore, it has been classified as a Variant of Uncertain Significance.

Ambry Genetics
Classification: Uncertain significance. Last evaluated: 2025-03-19. Review status: criteria provided, single submitter. Criteria: Ambry Variant Classification Scheme 2023. Collection method: clinical testing. Allele origin: germline.